The following is an entry in ClinVar:

ClinVar aggregate classification (germline): Conflicting classifications of pathogenicity. Review status: criteria provided, conflicting classifications (1 of 4 stars). 3 submissions from 3 submitters: Uncertain significance (2); Likely benign (1). Last evaluated 2025-07-18.

Conditions:
Inborn genetic diseases. Identifiers: MedGen C0950123, MeSH D030342.

Allele frequency attached by ClinVar (database versions not stated): gnomAD exomes 0.00002.
gnomAD v4.1: 25 of 1,604,032 alleles (0.0016%); highest among the groups gnomAD compares: Non-Finnish European, 0.0021%; no homozygotes.

Submissions (3):

Ambry Genetics
Classification: Likely benign for Inborn genetic diseases. Last evaluated: 2025-07-18. Review status: criteria provided, single submitter. Criteria: Ambry Variant Classification Scheme 2023. Collection method: clinical testing. Allele origin: germline.

Labcorp Genetics (formerly Invitae), Labcorp
Classification: Uncertain significance. Last evaluated: 2025-01-22. Review status: criteria provided, single submitter. Criteria: Invitae Variant Classification Sherloc (09022015). Collection method: clinical testing. Allele origin: germline.
Comment: This sequence change replaces threonine, which is neutral and polar, with serine, which is neutral and polar, at codon 362 of the EFTUD2 protein (p.Thr362Ser). This variant is present in population databases (no rsID available, gnomAD 0.002%). This variant has not been reported in the literature in individuals affected with EFTUD2-related conditions. ClinVar contains an entry for this variant (Variation ID: 2637673). An algorithm developed to predict the effect of missense changes on protein structure and function outputs the following: PolyPhen-2: "Benign". The serine amino acid residue is found in multiple mammalian species, which suggests that this missense change does not adversely affect protein function. In summary, the available evidence is currently insufficient to determine the role of this variant in disease. Therefore, it has been classified as a Variant of Uncertain Significance.

Women's Health and Genetics/Laboratory Corporation of America, LabCorp
Classification: Uncertain significance. Last evaluated: 2023-10-11. Review status: criteria provided, single submitter. Criteria: LabCorp Variant Classification Summary - May 2015. Collection method: clinical testing. Allele origin: germline.
Comment: Variant summary: EFTUD2 c.1085C>G (p.Thr362Ser) results in a conservative amino acid change located in the Translational (tr)-type GTP-binding domain (IPR000795) of the encoded protein sequence. Four of five in-silico tools predict a benign effect of the variant on protein function. The variant allele was found at a frequency of 8.5e-06 in 236254 control chromosomes. The available data on variant occurrences in the general population are insufficient to allow any conclusion about variant significance. To our knowledge, no occurrence of c.1085C>G in individuals affected with Mandibulofacial Dysostosis-Microcephaly Syndrome and no experimental evidence demonstrating its impact on protein function have been reported. No submitters have cited clinical-significance assessments for this variant to ClinVar after 2014. Based on the evidence outlined above, the variant was classified as uncertain significance.

NM_004247.4(EFTUD2):c.1085C>G (p.Thr362Ser)

Gene: EFTUD2 (elongation factor Tu GTP binding domain containing 2; minus strand). Cytogenetic location: 17q21.31.
Variant type: single nucleotide variant.
Coding change: c.1085C>G on transcript NM_004247.4 (MANE Select); coding-DNA position 1085, C replaced by G.
Protein change: p.Thr362Ser; replaces threonine 362 with serine.
Molecular consequence: missense variant.
Genome position (GRCh38, 1-based): chr17:44,867,871, G>C on the plus strand (C>G on the coding strand, the complement: EFTUD2 is on the minus strand). VCF-style: chr17-44867871-G-C. GRCh37 (hg19) VCF-style: chr17-42945239-G-C.
Other names: c.1085C>G (NM_004247.3); c.980C>G, p.Thr327Ser (NM_001142605.2); c.1085C>G, p.Thr362Ser (NM_001258353.2); c.1055C>G, p.Thr352Ser (NM_001258354.2); short protein forms T327S, T352S, T362S.
Identifiers: ClinVar variation 2637673 (VCV002637673.4), dbSNP rs1451516304, ClinGen allele CA399816064.